The following is an entry in ClinVar:

ClinVar aggregate classification (germline): Uncertain significance. Review status: criteria provided, multiple submitters, no conflicts (2 of 4 stars). 2 submissions from 2 submitters: Uncertain significance (2). Last evaluated 2025-08-11.

Allele frequency attached by ClinVar (database versions not stated): gnomAD 0.00001 and 0.00003; ExAC 0.00003; gnomAD exomes 0.00003; 1000 Genomes Project 0.00040; 1000 Genomes Project 30x 0.00078.
gnomAD v4.1: 97 of 1,612,424 alleles (0.006%); highest among the groups gnomAD compares: Non-Finnish European, 0.0076%; no homozygotes.

Submissions (3):

Labcorp Genetics (formerly Invitae), Labcorp
Classification: Uncertain significance. Last evaluated: 2025-08-11. Review status: criteria provided, single submitter. Criteria: Invitae Variant Classification Sherloc (09022015). Collection method: clinical testing. Allele origin: germline.
Comment: This sequence change replaces arginine, which is basic and polar, with tryptophan, which is neutral and slightly polar, at codon 515 of the MKL1 protein (p.Arg515Trp). This variant is present in population databases (rs201635580, gnomAD 0.007%). This variant has not been reported in the literature in individuals affected with MKL1-related conditions. ClinVar contains an entry for this variant (Variation ID: 1683032). An algorithm developed to predict the effect of missense changes on protein structure and function (PolyPhen-2) suggests that this variant is likely to be disruptive. In summary, the available evidence is currently insufficient to determine the role of this variant in disease. Therefore, it has been classified as a Variant of Uncertain Significance.

Ambry Genetics
Classification: Uncertain significance. Last evaluated: 2024-08-07. Review status: criteria provided, single submitter. Criteria: Ambry Variant Classification Scheme 2023. Collection method: clinical testing. Allele origin: germline.

Dr. Peter K. Rogan Lab, Western University
No classification provided (evidence only). Condition: Uveal melanoma. Review status: no classification provided. Collection method: in vitro. Allele origin: not applicable. Functional consequence: retained intron. Not counted in ClinVar's aggregate classification.

NM_020831.6(MRTFA):c.1843C>T (p.Arg615Trp)

Gene: MRTFA (myocardin related transcription factor A; minus strand). Cytogenetic location: 22q13.1.
Variant type: single nucleotide variant.
Coding change: c.1843C>T on transcript NM_020831.6 (MANE Select); coding-DNA position 1843, C replaced by T.
Protein change: p.Arg615Trp; replaces arginine 615 with tryptophan.
Molecular consequence: missense variant.
Genome position (GRCh38, 1-based): chr22:40,418,895, G>A on the plus strand (C>T on the coding strand, the complement: MRTFA is on the minus strand). VCF-style: chr22-40418895-G-A. GRCh37 (hg19) VCF-style: chr22-40814899-G-A.
Other names: c.1543C>T, p.Arg515Trp (NM_001282660.2); c.1693C>T, p.Arg565Trp (NM_001282661.3); c.1843C>T, p.Arg615Trp (NM_001282662.3); c.1648C>T, p.Arg550Trp (NM_001318139.2); c.1543C>T (NM_020831.3); short protein forms R515W, R550W, R565W, R615W.
Identifiers: ClinVar variation 1683032 (VCV001683032.8), dbSNP rs201635580, ClinGen allele CA10249522.
Genomic context (GRCh38, chr22:40,418,895, plus strand): 5'-CGATCTGCTTGTCTTTCTCCTGCAGCATCTGGTCCTTGTCGCGCCCCTCTAGCTCCGCCC[G>A]CCCCCCAGGGCTCAGGCAACAGGACCCGGCCCGGGGGCCCTCCTCCTTCACGAGGATCTG-3'
Protein context (NP_065882.2, residues 605-625): AGSCCLSPGG[Arg615Trp]AELEGRDKDQ